The following is an entry in ClinVar:

ClinVar aggregate classification (germline): Uncertain significance (1 of 4 stars; one submission).

Conditions:
Immunodeficiency 102. Identifiers: Orphanet 653751, MedGen C5676886, MONDO:0024781, OMIM 301082.

Submission:

Juno Genomics, Hangzhou Juno Genomics, Inc
Classification: Uncertain significance for Immunodeficiency 102. Review status: criteria provided, single submitter. Criteria: ACMG Guidelines, 2015. Collection method: clinical testing. Allele origin: germline.
Comment: Absent from controls (or at extremely low frequency if recessive) in Genome Aggregation Database.;Multiple lines of computational evidence support a deleterious effect on the gene or gene product.

NM_018990.4(SASH3):c.300+21G>T

Gene: SASH3 (SAM and SH3 domain containing 3; plus strand). Cytogenetic location: Xq26.1.
Variant type: single nucleotide variant.
Coding change: c.300+21G>T on transcript NM_018990.4 (MANE Select); 21 bases into the intron after coding-DNA position 300, G replaced by T.
Molecular consequence: intron variant.
Genome position (GRCh38, 1-based): chrX:129,788,598, G>T. VCF-style: chrX-129788598-G-T. GRCh37 (hg19) VCF-style: chrX-128922574-G-T.
Identifiers: ClinVar variation 5007499 (VCV005007499.2).
Genomic context (GRCh38, chrX:129,788,598, plus strand): 5'-GATGGGCAAGATGATGGTGAAGGCCCTGTCAGAAGAGATGGTGAGGCCTGCAGATATAGG[G>T]GATGGGGTGTCCAGGGGGCCTGGGGACCGCTCTGGCAGAATGTGAGCATGACCACCTCAA-3'